The following is an entry in ClinVar:

ClinVar aggregate classification (germline): Likely benign (1 of 4 stars; one submission).

Conditions:
GREB1L-related disorder. Also called: GREB1L-related condition.

gnomAD v4.1: 7 of 1,551,306 alleles (0.00045%); highest among the groups gnomAD compares: East Asian, 0.0073%; no homozygotes.

Submission:

PreventionGenetics, part of Exact Sciences
Classification: Likely benign for GREB1L-related condition. Last evaluated: 2025-03-27. Review status: criteria provided, single submitter. Criteria: ACMG Guidelines, 2015. Collection method: clinical testing. Allele origin: germline.
Comment: This variant is classified as likely benign based on ACMG/AMP sequence variant interpretation guidelines (Richards et al. 2015 PMID: 25741868, with internal and published modifications).

NM_001142966.3(GREB1L):c.5616A>G (p.Thr1872=)

Gene: GREB1L (GREB1 like retinoic acid receptor coactivator; plus strand). Cytogenetic location: 18q11.2.
Variant type: single nucleotide variant.
Coding change: c.5616A>G on transcript NM_001142966.3 (MANE Select); coding-DNA position 5616, A replaced by G.
Protein change: p.Thr1872=; no amino-acid change (threonine 1872 retained).
Molecular consequence: synonymous variant.
Genome position (GRCh38, 1-based): chr18:21,522,665, A>G. VCF-style: chr18-21522665-A-G. GRCh37 (hg19) VCF-style: chr18-19102626-A-G.
Other names: c.5745A>G, p.Thr1915= (NM_001410867.1); c.5289A>G, p.Thr1763= (NM_001410868.1).
Identifiers: ClinVar variation 4978963 (VCV004978963.1).